The following is an entry in ClinVar:

NM_000255.4(MMUT):c.654A>C (p.Gln218His)

Gene: MMUT (methylmalonyl-CoA mutase; minus strand). Cytogenetic location: 6p12.3.
Variant type: single nucleotide variant.
Coding change: c.654A>C on transcript NM_000255.4 (MANE Select); coding-DNA position 654, A replaced by C.
Protein change: p.Gln218His; replaces glutamine 218 with histidine.
Molecular consequence: missense variant.
Genome position (GRCh38, 1-based): chr6:49,457,790, T>G on the plus strand (A>C on the coding strand, the complement: MMUT is on the minus strand). VCF-style: chr6-49457790-T-G. GRCh37 (hg19) VCF-style: chr6-49425503-T-G.
Other names: short protein forms Q218H.
Identifiers: ClinVar variation 551243 (VCV000551243.51), dbSNP rs1446389693, ClinGen allele CA364404273.
Genomic context (GRCh38, chr6:49,457,790, plus strand): 5'-GGATGGTTCTGGAGGAAAAATGTATGTATTTCGAACCATAAATTCCTTTAGTATATCATT[T>G]TGGATGGTACCAGTAAGCTTCTCTTTAGGTACACCTTGTTCTTCTCCAGTTACTATAAAA-3'
Protein context (NP_000246.2, residues 208-228): VPKEKLTGTI[Gln218His]NDILKEFMVR

ClinVar aggregate classification (germline): Pathogenic/Likely pathogenic. Review status: criteria provided, multiple submitters, no conflicts (2 of 4 stars). 6 submissions from 6 submitters: Pathogenic (4); Likely pathogenic (1). 1 of the submissions does not count toward it. Last evaluated 2024-03-29.

Conditions:
MMUT-related disorder. Also called: MMUT-related condition.
Methylmalonic aciduria due to complete methylmalonyl-CoA mutase deficiency.
Methylmalonic aciduria due to methylmalonyl-CoA mutase deficiency (MAMM). Also called: Methylmalonic aciduria, mut type. Identifiers: Orphanet 27, MedGen C1855114, MONDO:0009612, OMIM 251000.

Allele frequency attached by ClinVar (database versions not stated): gnomAD exomes below 0.00001 and 0.00001; gnomAD 0.00001; TOPMed 0.00001.
gnomAD v4.1: 19 of 1,613,404 alleles (0.0012%); highest among the groups gnomAD compares: Non-Finnish European, 0.0016%; no homozygotes.

Submissions (6):

Natera, Inc.
Classification: Pathogenic for Methylmalonic aciduria due to complete methylmalonyl-CoA mutase deficiency. Last evaluated: 2024-03-29. Review status: criteria provided, single submitter. Criteria: Natera Variant Classification Schema (03/2026). Collection method: clinical testing. Allele origin: germline.
Comment: The c.654A>C variant in MMUT is a missense variant predicted to cause substitution of glutamine to histidine at amino acid 218. This variant is rare in the general population with a frequency below the threshold expected for the associated phenotype(s). This variant has been observed in one or more individuals affected with the associated recessive disease, as either homozygous or compound heterozygous with a second variant (PMID: 34668645, 27167370). Computational prediction algorithms indicate this variant is likely to affect gene or protein function. Given the available evidence, this variant is classified as Pathogenic.

Labcorp Genetics (formerly Invitae), Labcorp
Classification: Pathogenic. Last evaluated: 2023-11-25. Review status: criteria provided, single submitter. Criteria: Invitae Variant Classification Sherloc (09022015). Collection method: clinical testing. Allele origin: germline.
Comment: This sequence change replaces glutamine, which is neutral and polar, with histidine, which is basic and polar, at codon 218 of the MUT protein (p.Gln218His). This variant is present in population databases (no rsID available, gnomAD 0.0009%). This missense change has been observed in individual(s) with methylmalonic aciduria (PMID: 10923046, 16281286). This variant is also known as 730A>C. ClinVar contains an entry for this variant (Variation ID: 551243). Advanced modeling of protein sequence and biophysical properties (such as structural, functional, and spatial information, amino acid conservation, physicochemical variation, residue mobility, and thermodynamic stability) performed at Invitae indicates that this missense variant is expected to disrupt MUT protein function with a positive predictive value of 95%. Experimental studies have shown that this missense change affects MUT function (PMID: 25125334). For these reasons, this variant has been classified as Pathogenic.

PreventionGenetics, part of Exact Sciences
Classification: Pathogenic for MMUT-related condition. Last evaluated: 2023-09-13. Review status: criteria provided, single submitter. Criteria: ACMG Guidelines, 2015. Collection method: clinical testing. Allele origin: germline.
Comment: The MMUT c.654A>C variant is predicted to result in the amino acid substitution p.Gln218His. This variant has been reported in the homozygous state or heterozygous state with a second pathogenic MMUT variant in individuals with methylmalonic acidemia (Fuchshuber et al. 2000. PubMed ID: 10923046; Worgan et al. 2006. PubMed ID: 16281286; Hörster et al. 2020. PubMed ID: 32754920). The p.Gln218 amino acid is located within the enzyme substrate binding channel, and in experimental studies the p.Gln218His substitution lead to severely reduced enzyme activity (Forny et al. 2014. PubMed ID: 25125334). This variant is reported in 0.00088% of alleles in individuals of European (Non-Finnish) descent in gnomAD. Taken together, this variant is interpreted as pathogenic.

Fulgent Genetics
Classification: Likely pathogenic for Methylmalonic aciduria due to methylmalonyl-CoA mutase deficiency. Last evaluated: 2022-03-01. Review status: criteria provided, single submitter. Criteria: ACMG Guidelines, 2015. Collection method: clinical testing. Allele origin: unknown.

CeGaT Center for Human Genetics Tuebingen
Classification: Pathogenic. Last evaluated: 2021-08-01. Review status: criteria provided, single submitter. Criteria: CeGaT Center For Human Genetics Tuebingen Variant Classification Criteria Version 2. Collection method: clinical testing. Allele origin: germline. Affected: yes. Observed: 2 variant alleles.

Counsyl
Classification: Likely pathogenic for Methylmalonic aciduria due to methylmalonyl-CoA mutase deficiency. Last evaluated: 2017-03-30. Review status: no assertion criteria provided. Collection method: clinical testing. Allele origin: unknown. Not counted in ClinVar's aggregate classification.

Literature cited by the submitters: PubMed 34668645 (cited by Natera, Inc.); PubMed 27167370 (cited by Natera, Inc. and Counsyl); PubMed 10923046 (cited by Labcorp Genetics (formerly Invitae), Labcorp); PubMed 16281286 (cited by Labcorp Genetics (formerly Invitae), Labcorp); PubMed 25125334 (cited by Labcorp Genetics (formerly Invitae), Labcorp and Counsyl).